The following is an entry in ClinVar:

Single allele

Genes: ABHD12 (abhydrolase domain containing 12, lysophospholipase; minus strand), ACSS1 (acyl-CoA synthetase short chain family member 1; minus strand), APMAP (adipocyte plasma membrane associated protein; minus strand), ASXL1 (ASXL transcriptional regulator 1; plus strand), BANF2 (BANF family member 2; plus strand) and 86 more. Cytogenetic location: 20p12.1-q11.21.
Variant type: Duplication.
Identifiers: ClinVar variation 560101 (VCV000560101.3).

ClinVar aggregate classification (germline): Pathogenic (1 of 4 stars; one submission).

Submission:

Geisinger Autism and Developmental Medicine Institute, Geisinger Health System
Classification: Pathogenic. Last evaluated: 2018-03-19. Review status: criteria provided, single submitter. Criteria: ACMG CNV Guidelines, 2011. Collection method: provider interpretation. Allele origin: unknown.
Comment: In particular, this result likely is indicative of a ring chromosome. This supernumerary chromosome was identifid in 88% of cells. Ring chromosomes of a similar size have been reported in databases in and in the literature (Daber et al. 2012; Kitsiou-Tzeli et al. 2009; Guediche et al. 2010). Reported phenotypes of individuals with supernumerary marker chromosome are highly variable with unaffected individuals, growth retardation, atrial septal defect, facial dysmorphism, and developmental delay (Daber et al. 2012; Guediche et al. 2010; Kitsiou-Tzeli et al. 2009).

Literature cited by the submitters: PubMed 22406087; PubMed 20101685; PubMed 19128450.